The following is an entry in ClinVar:

ClinVar aggregate classification (germline): Pathogenic (1 of 4 stars; one submission).

Conditions:
Nephronophthisis. Also called: Juvenile Nephronophthisis. Identifiers: Orphanet 655, MedGen C0687120, MONDO:0019005, HP:0000090.

Submission:

Labcorp Genetics (formerly Invitae), Labcorp
Classification: Pathogenic for Nephronophthisis. Last evaluated: 2022-04-08. Review status: criteria provided, single submitter. Criteria: Invitae Variant Classification Sherloc (09022015). Collection method: clinical testing. Allele origin: germline.
Comment: This sequence change creates a premature translational stop signal (p.Gln131*) in the NPHP3 gene. It is expected to result in an absent or disrupted protein product. Loss-of-function variants in NPHP3 are known to be pathogenic (PMID: 18371931, 23559409). This variant is not present in population databases (gnomAD no frequency). This variant has not been reported in the literature in individuals affected with NPHP3-related conditions. Algorithms developed to predict the effect of sequence changes on RNA splicing suggest that this variant may create or strengthen a splice site. For these reasons, this variant has been classified as Pathogenic.

Literature cited by the submitters: PubMed 18371931; PubMed 23559409.

NM_153240.5(NPHP3):c.391C>T (p.Gln131Ter)

Genes: NPHP3 (nephrocystin 3; minus strand), NPHP3-ACAD11 (NPHP3-ACAD11 readthrough (NMD candidate); minus strand), NPHP3-AS1 (NPHP3 antisense RNA 1; plus strand). Cytogenetic location: 3q22.1.
Variant type: single nucleotide variant.
Coding change: c.391C>T on transcript NM_153240.5 (MANE Select); coding-DNA position 391, C replaced by T.
Protein change: p.Gln131Ter; replaces glutamine 131 with a stop codon.
Molecular consequence: nonsense. On other transcripts: non-coding transcript variant (3).
Genome position (GRCh38, 1-based): chr3:132,721,965, G>A on the plus strand (C>T on the coding strand, the complement: NPHP3 is on the minus strand). VCF-style: chr3-132721965-G-A. GRCh37 (hg19) VCF-style: chr3-132440809-G-A.
Other names: short protein forms Q131*.
Identifiers: ClinVar variation 1924475 (VCV001924475.5), dbSNP rs1940239843, ClinGen allele CA354588731.
Genomic context (GRCh38, chr3:132,721,965, plus strand): 5'-AGCAGGACGGCCGTGCTTCCCAAGGGTCTCCCGGCGTCGCGGCCCAGCCCGGCGTTACCT[G>A]CAGTTCGGCCCGCAGCCGCTTGTTCTCCGTGTCCAGCTTGGCCTCGCGGCGGCCCATGGA-3'